The following is an entry in ClinVar:

NM_000330.4(RS1):c.413C>A (p.Thr138Asn)

Genes: CDKL5 (cyclin dependent kinase like 5; plus strand), RS1 (retinoschisin 1; minus strand). Cytogenetic location: Xp22.13.
Variant type: single nucleotide variant.
Coding change: c.413C>A on transcript NM_000330.4 (MANE Select); coding-DNA position 413, C replaced by A.
Protein change: p.Thr138Asn; replaces threonine 138 with asparagine.
Molecular consequence: missense variant. On other transcripts: intron variant (2).
Genome position (GRCh38, 1-based): chrX:18,644,539, G>T on the plus strand (C>A on the coding strand, the complement: RS1 is on the minus strand). VCF-style: chrX-18644539-G-T. GRCh37 (hg19) VCF-style: chrX-18662659-G-T.
Other names: c.2714-1468G>T (NM_003159.3, NM_001037343.2); short protein forms T138N.
Identifiers: ClinVar variation 4534628 (VCV004534628.6).

ClinVar aggregate classification (germline): Pathogenic (1 of 4 stars; one submission).

Submission:

CeGaT Center for Human Genetics Tuebingen
Classification: Pathogenic. Last evaluated: 2025-10-01. Review status: criteria provided, single submitter. Criteria: CeGaT Center For Human Genetics Tuebingen Variant Classification Criteria Version 2. Collection method: clinical testing. Allele origin: germline. Affected: yes. Observed: 1 variant allele.
Comment: RS1: PP1:Strong, PM1, PM2, PM5, PS4:Moderate, PP3, PP4